The following is an entry in ClinVar:

NM_017950.4(CCDC40):c.1302C>G (p.Ile434Met)

Gene: CCDC40 (coiled-coil domain 40 molecular ruler complex subunit; plus strand). Cytogenetic location: 17q25.3.
Variant type: single nucleotide variant.
Coding change: c.1302C>G on transcript NM_017950.4 (MANE Select); coding-DNA position 1302, C replaced by G.
Protein change: p.Ile434Met; replaces isoleucine 434 with methionine.
Molecular consequence: missense variant.
Genome position (GRCh38, 1-based): chr17:80,058,636, C>G. VCF-style: chr17-80058636-C-G. GRCh37 (hg19) VCF-style: chr17-78032435-C-G.
Other names: c.1302C>G, p.Ile434Met (NM_001243342.2, NM_001330508.2); short protein forms I434M.
Identifiers: ClinVar variation 2914384 (VCV002914384.3), dbSNP rs375163840, ClinGen allele CA8813765.

ClinVar aggregate classification (germline): Uncertain significance (1 of 4 stars; one submission).

Conditions:
Primary ciliary dyskinesia. Also called: Ciliary dyskinesia. Identifiers: Orphanet 244, MedGen C0008780, MONDO:0016575, HP:0012265.

gnomAD v4.1: 18 of 1,614,024 alleles (0.0011%); highest among the groups gnomAD compares: African/African-American, 0.0013%; no homozygotes.

Submission:

Labcorp Genetics (formerly Invitae), Labcorp
Classification: Uncertain significance for Primary ciliary dyskinesia. Last evaluated: 2022-12-26. Review status: criteria provided, single submitter. Criteria: Invitae Variant Classification Sherloc (09022015). Collection method: clinical testing. Allele origin: germline.
Comment: Advanced modeling of protein sequence and biophysical properties (such as structural, functional, and spatial information, amino acid conservation, physicochemical variation, residue mobility, and thermodynamic stability) performed at Invitae indicates that this missense variant is not expected to disrupt CCDC40 protein function. This variant has not been reported in the literature in individuals affected with CCDC40-related conditions. The frequency data for this variant in the population databases is considered unreliable, as metrics indicate poor data quality at this position in the gnomAD database. This sequence change replaces isoleucine, which is neutral and non-polar, with methionine, which is neutral and non-polar, at codon 434 of the CCDC40 protein (p.Ile434Met). In summary, the available evidence is currently insufficient to determine the role of this variant in disease. Therefore, it has been classified as a Variant of Uncertain Significance.